The following is an entry in ClinVar:

ClinVar aggregate classification (germline): Uncertain significance. Review status: criteria provided, multiple submitters, no conflicts (2 of 4 stars). 3 submissions from 3 submitters: Uncertain significance (3). Last evaluated 2021-08-07.

Conditions:
Cardiovascular phenotype. Identifiers: MedGen CN230736.
Dilated cardiomyopathy 1O (CMD1O). Also called: CARDIOMYOPATHY, DILATED, WITH VENTRICULAR TACHYCARDIA. Identifiers: Orphanet 154, MedGen C1837839, MONDO:0012062, OMIM 608569.

Allele frequency attached by ClinVar (database versions not stated): gnomAD exomes below 0.00001; gnomAD 0.00001; TOPMed 0.00001.
gnomAD v4.1: 8 of 1,613,458 alleles (0.0005%); highest among the groups gnomAD compares: African/African-American, 0.0013%; no homozygotes.

Submissions (3):

Labcorp Genetics (formerly Invitae), Labcorp
Classification: Uncertain significance for Dilated cardiomyopathy 1O. Last evaluated: 2021-08-07. Review status: criteria provided, single submitter. Criteria: Invitae Variant Classification Sherloc (09022015). Collection method: clinical testing. Allele origin: germline.
Comment: ClinVar contains an entry for this variant (Variation ID: 264317). This sequence change replaces arginine with histidine at codon 324 of the ABCC9 protein (p.Arg324His). The arginine residue is weakly conserved and there is a small physicochemical difference between arginine and histidine. This variant is not present in population databases (ExAC no frequency). This variant has not been reported in the literature in individuals affected with ABCC9-related conditions. Algorithms developed to predict the effect of missense changes on protein structure and function (SIFT, PolyPhen-2, Align-GVGD) all suggest that this variant is likely to be tolerated. In summary, the available evidence is currently insufficient to determine the role of this variant in disease. Therefore, it has been classified as a Variant of Uncertain Significance.

Revvity Omics, Revvity
Classification: Uncertain significance. Last evaluated: 2020-11-20. Review status: criteria provided, single submitter. Criteria: ACMG Guidelines, 2015. Collection method: clinical testing. Allele origin: germline.

Ambry Genetics
Classification: Uncertain significance for Cardiovascular phenotype. Last evaluated: 2019-06-11. Review status: criteria provided, single submitter. Criteria: Ambry Variant Classification Scheme 2023. Collection method: clinical testing. Allele origin: germline.
Comment: The p.R324H variant (also known as c.971G>A), located in coding exon 6 of the ABCC9 gene, results from a G to A substitution at nucleotide position 971. The arginine at codon 324 is replaced by histidine, an amino acid with highly similar properties. This amino acid position is not well conserved in available vertebrate species, and histidine is the reference amino acid in other vertebrate species. In addition, this alteration is predicted to be tolerated by in silico analysis. Since supporting evidence is limited at this time, the clinical significance of this alteration remains unclear.

NM_020297.4(ABCC9):c.971G>A (p.Arg324His)

Gene: ABCC9 (ATP binding cassette subfamily C member 9; minus strand). Cytogenetic location: 12p12.1.
Variant type: single nucleotide variant.
Coding change: c.971G>A on transcript NM_020297.4 (MANE Select); coding-DNA position 971, G replaced by A.
Protein change: p.Arg324His; replaces arginine 324 with histidine.
Molecular consequence: missense variant.
Genome position (GRCh38, 1-based): chr12:21,912,912, C>T on the plus strand (G>A on the coding strand, the complement: ABCC9 is on the minus strand). VCF-style: chr12-21912912-C-T. GRCh37 (hg19) VCF-style: chr12-22065846-C-T.
Other names: c.971G>A, p.Arg324His (NM_001377273.1, NM_005691.4); c.107G>A, p.Arg36His (NM_001377274.1); short protein forms R324H, R36H.
Identifiers: ClinVar variation 264317 (VCV000264317.13), dbSNP rs886039121, ClinGen allele CA10587741.